The following is an entry in ClinVar:

ClinVar aggregate classification (germline): Uncertain significance. Review status: criteria provided, multiple submitters, no conflicts (2 of 4 stars). 6 submissions from 5 submitters: Uncertain significance (6). Last evaluated 2025-11-17.

Conditions:
Lethal Kniest-like syndrome (DDSH). Also called: Dyssegmental Dysplasia. Identifiers: Orphanet 1865, MedGen C1857100, MONDO:0009140, OMIM 224410.
Schwartz-Jampel syndrome. Also called: Myotonic myopathy dwarfism chondrodystrophy and ocular and facial abnormalities. Identifiers: Orphanet 800, MedGen C0036391, MONDO:0009717.

Allele frequency attached by ClinVar (database versions not stated): gnomAD 0.00031 and 0.00032; TOPMed 0.00031; ESP Exome Variant Server 0.00039; gnomAD exomes 0.00040 and 0.00045; ExAC 0.00045.
gnomAD v4.1: 674 of 1,557,112 alleles (0.043%); highest among the groups gnomAD compares: Non-Finnish European, 0.049%; no homozygotes.

Submissions (6):

Labcorp Genetics (formerly Invitae), Labcorp
Classification: Uncertain significance. Last evaluated: 2025-11-17. Review status: criteria provided, single submitter. Criteria: Invitae Variant Classification Sherloc (09022015). Collection method: clinical testing. Allele origin: germline.
Comment: This sequence change replaces threonine, which is neutral and polar, with methionine, which is neutral and non-polar, at codon 3405 of the HSPG2 protein (p.Thr3405Met). This variant is present in population databases (rs141464124, gnomAD 0.2%). This variant has not been reported in the literature in individuals affected with HSPG2-related conditions. ClinVar contains an entry for this variant (Variation ID: 295744). An algorithm developed to predict the effect of missense changes on protein structure and function (PolyPhen-2) suggests that this variant is likely to be disruptive. In summary, the available evidence is currently insufficient to determine the role of this variant in disease. Therefore, it has been classified as a Variant of Uncertain Significance.

Blueprint Genetics
Classification: Uncertain significance. Last evaluated: 2024-10-04. Review status: criteria provided, single submitter. Criteria: ACMG Guidelines, 2015. Collection method: clinical testing. Allele origin: germline.

Revvity Omics, Revvity
Classification: Uncertain significance. Last evaluated: 2020-03-09. Review status: criteria provided, single submitter. Criteria: ACMG Guidelines, 2015. Collection method: clinical testing. Allele origin: germline.

Athena Diagnostics
Classification: Uncertain significance. Last evaluated: 2018-09-26. Review status: criteria provided, single submitter. Criteria: Athena Diagnostics Criteria. Collection method: clinical testing. Allele origin: germline.

Illumina Laboratory Services, Illumina
Classification: Uncertain significance for Lethal Kniest-like syndrome. Last evaluated: 2018-01-12. Review status: criteria provided, single submitter. Criteria: ICSL Variant Classification Criteria 13 December 2019. Collection method: clinical testing. Allele origin: germline.

Illumina Laboratory Services, Illumina
Classification: Uncertain significance for Schwartz-Jampel syndrome type 1. Last evaluated: 2018-01-12. Review status: criteria provided, single submitter. Criteria: ICSL Variant Classification Criteria 13 December 2019. Collection method: clinical testing. Allele origin: germline.

NM_005529.7(HSPG2):c.10214C>T (p.Thr3405Met)

Gene: HSPG2 (heparan sulfate proteoglycan 2; minus strand). Cytogenetic location: 1p36.12.
Variant type: single nucleotide variant.
Coding change: c.10214C>T on transcript NM_005529.7 (MANE Select); coding-DNA position 10214, C replaced by T.
Protein change: p.Thr3405Met; replaces threonine 3405 with methionine.
Molecular consequence: missense variant.
Genome position (GRCh38, 1-based): chr1:21,836,943, G>A on the plus strand (C>T on the coding strand, the complement: HSPG2 is on the minus strand). VCF-style: chr1-21836943-G-A. GRCh37 (hg19) VCF-style: chr1-22163436-G-A.
Other names: c.10217C>T, p.Thr3406Met (NM_001291860.2); short protein forms T3405M, T3406M.
Identifiers: ClinVar variation 295744 (VCV000295744.15), dbSNP rs141464124, ClinGen allele CA670193.